The following is an entry in ClinVar:

NM_001928.4(CFD):c.357G>T (p.Gln119His)

Gene: CFD (complement factor D; plus strand). Cytogenetic location: 19p13.3.
Variant type: single nucleotide variant.
Coding change: c.357G>T on transcript NM_001928.4 (MANE Select); coding-DNA position 357, G replaced by T.
Protein change: p.Gln119His; replaces glutamine 119 with histidine.
Molecular consequence: missense variant.
Genome position (GRCh38, 1-based): chr19:861,005, G>T. VCF-style: chr19-861005-G-T. GRCh37 (hg19) VCF-style: chr19-861005-G-T.
Other names: c.378G>T, p.Gln126His (NM_001317335.2); short protein forms Q119H, Q126H.
Identifiers: ClinVar variation 1375721 (VCV001375721.5), dbSNP rs773957525, ClinGen allele CA402921434.
Genomic context (GRCh38, chr19:861,005, plus strand): 5'-CGCAGTGCCCCACCCGGACAGCCAGCCCGACACCATCGACCACGACCTCCTGCTGCTACA[G>T]GTCGGCCCCGTGTAGCGCAGTCCCTCCTGCGGCGCTGGGATCCCCGGCCCACCCTCACTC-3'
Protein context (NP_001919.2, residues 109-129): DTIDHDLLLL[Gln119His]LSEKATLGPA

ClinVar aggregate classification (germline): Uncertain significance (1 of 4 stars; one submission).

Submission:

Labcorp Genetics (formerly Invitae), Labcorp
Classification: Uncertain significance. Last evaluated: 2021-08-17. Review status: criteria provided, single submitter. Criteria: Invitae Variant Classification Sherloc (09022015). Collection method: clinical testing. Allele origin: germline.
Comment: This sequence change replaces glutamine with histidine at codon 119 of the CFD protein (p.Gln119His). The glutamine residue is weakly conserved and there is a small physicochemical difference between glutamine and histidine. This variant also falls at the last nucleotide of exon 3, which is part of the consensus splice site for this exon. This variant is not present in population databases (ExAC no frequency). This variant has not been reported in the literature in individuals affected with CFD-related conditions. Algorithms developed to predict the effect of missense changes on protein structure and function are either unavailable or do not agree on the potential impact of this missense change (SIFT: "Not Available"; PolyPhen-2: "Probably Damaging"; Align-GVGD: "Not Available"). Variants that disrupt the consensus splice site are a relatively common cause of aberrant splicing (PMID: 17576681, 9536098). Experimental studies and prediction algorithms are not available or were not evaluated, and the effect of this variant on mRNA splicing is currently unknown. In summary, the available evidence is currently insufficient to determine the role of this variant in disease. Therefore, it has been classified as a Variant of Uncertain Significance.

Literature cited by the submitters: PubMed 17576681; PubMed 9536098.